The following is an entry in ClinVar:

ClinVar aggregate classification (germline): Uncertain significance (1 of 4 stars; one submission).

Allele frequency attached by ClinVar (database versions not stated): ExAC 0.00001; gnomAD exomes 0.00001 and 0.00007; gnomAD 0.00002; TOPMed 0.00002; ESP Exome Variant Server 0.00008.
gnomAD v4.1: 106 of 1,603,880 alleles (0.0066%); highest among the groups gnomAD compares: Non-Finnish European, 0.009%; no homozygotes.

Submission:

Labcorp Genetics (formerly Invitae), Labcorp
Classification: Uncertain significance. Last evaluated: 2025-08-14. Review status: criteria provided, single submitter. Criteria: Invitae Variant Classification Sherloc (09022015). Collection method: clinical testing. Allele origin: germline.
Comment: This sequence change replaces isoleucine, which is neutral and non-polar, with valine, which is neutral and non-polar, at codon 316 of the CDC6 protein (p.Ile316Val). This variant is present in population databases (rs377241385, gnomAD 0.004%). This variant has not been reported in the literature in individuals affected with CDC6-related conditions. ClinVar contains an entry for this variant (Variation ID: 1035759). An algorithm developed to predict the effect of missense changes on protein structure and function outputs the following: PolyPhen-2: "Benign". The valine amino acid residue is found in multiple mammalian species, which suggests that this missense change does not adversely affect protein function. In summary, the available evidence is currently insufficient to determine the role of this variant in disease. Therefore, it has been classified as a Variant of Uncertain Significance.

NM_001254.4(CDC6):c.946A>G (p.Ile316Val)

Gene: CDC6 (cell division cycle 6; plus strand). Cytogenetic location: 17q21.2.
Variant type: single nucleotide variant.
Coding change: c.946A>G on transcript NM_001254.4 (MANE Select); coding-DNA position 946, A replaced by G.
Protein change: p.Ile316Val; replaces isoleucine 316 with valine.
Molecular consequence: missense variant.
Genome position (GRCh38, 1-based): chr17:40,294,366, A>G. VCF-style: chr17-40294366-A-G. GRCh37 (hg19) VCF-style: chr17-38450618-A-G.
Other names: short protein forms I316V.
Identifiers: ClinVar variation 1035759 (VCV001035759.8), dbSNP rs377241385, ClinGen allele CA8542024.